The following is an entry in ClinVar:

ClinVar aggregate classification (germline): Uncertain significance (1 of 4 stars; one submission).

Conditions:
Early Myoclonic Encephalopathy. Identifiers: MedGen C0270855.

Allele frequency attached by ClinVar (database versions not stated): gnomAD 0.00001.
gnomAD v4.1: 1 of 1,613,890 alleles (0.000062%); highest among the groups gnomAD compares: African/African-American, 0.0013%; no homozygotes.

Submission:

Labcorp Genetics (formerly Invitae), Labcorp
Classification: Uncertain significance for Early Myoclonic Encephalopathy. Last evaluated: 2022-12-31. Review status: criteria provided, single submitter. Criteria: Invitae Variant Classification Sherloc (09022015). Collection method: clinical testing. Allele origin: germline.
Comment: This variant has not been reported in the literature in individuals affected with JMJD1C-related conditions. In summary, the available evidence is currently insufficient to determine the role of this variant in disease. Therefore, it has been classified as a Variant of Uncertain Significance. Advanced modeling of protein sequence and biophysical properties (such as structural, functional, and spatial information, amino acid conservation, physicochemical variation, residue mobility, and thermodynamic stability) performed at Invitae indicates that this missense variant is not expected to disrupt JMJD1C protein function. This variant is present in population databases (no rsID available, gnomAD 0.01%). This sequence change replaces lysine, which is basic and polar, with glutamic acid, which is acidic and polar, at codon 615 of the JMJD1C protein (p.Lys615Glu).

NM_032776.3(JMJD1C):c.1843A>G (p.Lys615Glu)

Gene: JMJD1C (jumonji domain containing 1C; minus strand). Cytogenetic location: 10q21.3.
Variant type: single nucleotide variant.
Coding change: c.1843A>G on transcript NM_032776.3 (MANE Select); coding-DNA position 1843, A replaced by G.
Protein change: p.Lys615Glu; replaces lysine 615 with glutamic acid.
Molecular consequence: missense variant. On other transcripts: non-coding transcript variant (1).
Genome position (GRCh38, 1-based): chr10:63,214,324, T>C on the plus strand (A>G on the coding strand, the complement: JMJD1C is on the minus strand). VCF-style: chr10-63214324-T-C. GRCh37 (hg19) VCF-style: chr10-64974084-T-C.
Other names: c.1297A>G, p.Lys433Glu (NM_001282948.2, NM_001318154.2); c.979A>G, p.Lys327Glu (NM_001318153.2); c.1729A>G, p.Lys577Glu (NM_001322252.2); c.1186A>G, p.Lys396Glu (NM_001322254.2, NM_001322258.2); short protein forms K577E, K433E, K615E, K327E, K396E.
Identifiers: ClinVar variation 3011681 (VCV003011681.3), dbSNP rs1305952601, ClinGen allele CA377047467.